The following is an entry in ClinVar:

ClinVar aggregate classification (germline): Uncertain significance. Review status: criteria provided, multiple submitters, no conflicts (2 of 4 stars). 3 submissions from 3 submitters: Uncertain significance (3). Last evaluated 2024-08-14.

Conditions:
Episodic ataxia type 1 (EA1). Also called: ATAXIA, EPISODIC, WITH MYOKYMIA; MYOKYMIA WITH PERIODIC ATAXIA; PAROXYSMAL ATAXIA WITH NEUROMYOTONIA, HEREDITARY; Episodic ataxia/myokymia syndrome. Identifiers: Orphanet 37612, Orphanet 972, MedGen C1719788, MONDO:0008047, OMIM 160120.
Inborn genetic diseases. Identifiers: MedGen C0950123, MeSH D030342.

Allele frequency attached by ClinVar (database versions not stated): gnomAD 0.00001; TOPMed 0.00001.
gnomAD v4.1: 1 of 1,612,596 alleles (0.000062%); highest among the groups gnomAD compares: Non-Finnish European, 0.000085%; no homozygotes.

Submissions (3):

Labcorp Genetics (formerly Invitae), Labcorp
Classification: Uncertain significance for Episodic ataxia type 1. Last evaluated: 2024-08-14. Review status: criteria provided, single submitter. Criteria: Invitae Variant Classification Sherloc (09022015). Collection method: clinical testing. Allele origin: germline.
Comment: This sequence change replaces valine, which is neutral and non-polar, with methionine, which is neutral and non-polar, at codon 9 of the KCNA1 protein (p.Val9Met). This variant is not present in population databases (gnomAD no frequency). This variant has not been reported in the literature in individuals affected with KCNA1-related conditions. ClinVar contains an entry for this variant (Variation ID: 2540056). Invitae Evidence Modeling of protein sequence and biophysical properties (such as structural, functional, and spatial information, amino acid conservation, physicochemical variation, residue mobility, and thermodynamic stability) indicates that this missense variant is not expected to disrupt KCNA1 protein function with a negative predictive value of 95%. In summary, the available evidence is currently insufficient to determine the role of this variant in disease. Therefore, it has been classified as a Variant of Uncertain Significance.

Ambry Genetics
Classification: Uncertain significance for Inborn genetic diseases. Last evaluated: 2023-04-25. Review status: criteria provided, single submitter. Criteria: Ambry Variant Classification Scheme 2023. Collection method: clinical testing. Allele origin: germline.

Blueprint Genetics
Classification: Uncertain significance. Last evaluated: 2023-04-14. Review status: criteria provided, single submitter. Criteria: ACMG Guidelines, 2015. Collection method: clinical testing. Allele origin: germline.

NM_000217.3(KCNA1):c.25G>A (p.Val9Met)

Genes: KCNA1 (potassium voltage-gated channel subfamily A member 1; plus strand), LOC130007218 (ATAC-STARR-seq lymphoblastoid silent region 4155; plus strand). Cytogenetic location: 12p13.32.
Variant type: single nucleotide variant.
Coding change: c.25G>A on transcript NM_000217.3 (MANE Select); coding-DNA position 25, G replaced by A.
Protein change: p.Val9Met; replaces valine 9 with methionine.
Molecular consequence: missense variant.
Genome position (GRCh38, 1-based): chr12:4,911,403, G>A. VCF-style: chr12-4911403-G-A. GRCh37 (hg19) VCF-style: chr12-5020569-G-A.
Other names: short protein forms V9M.
Identifiers: ClinVar variation 2540056 (VCV002540056.5), dbSNP rs1194152428, ClinGen allele CA383453636.